The following is an entry in ClinVar:

ClinVar aggregate classification (germline): Uncertain significance. Review status: criteria provided, multiple submitters, no conflicts (2 of 4 stars). 5 submissions from 5 submitters: Uncertain significance (4). 1 of the submissions does not count toward it. Last evaluated 2025-09-23.

Conditions:
Developmental and epileptic encephalopathy, 38 (DEE38). Also called: Epileptic encephalopathy, early infantile, 38. Identifiers: MedGen C4310762, MONDO:0014868, OMIM 617020.
ARV1-related disorder. Also called: ARV1-related condition. Identifiers: MedGen CN235539.

Allele frequency attached by ClinVar (database versions not stated): 1000 Genomes Project 30x 0.00016; 1000 Genomes Project 0.00020; ExAC 0.00026; TOPMed 0.00037; ESP Exome Variant Server 0.00038; gnomAD 0.00039; gnomAD exomes 0.00074.

Submissions (9):

Women's Health and Genetics/Laboratory Corporation of America, LabCorp
Classification: Uncertain significance. Last evaluated: 2025-09-23. Review status: criteria provided, single submitter. Criteria: LabCorp Variant Classification Summary - May 2015. Collection method: clinical testing. Allele origin: germline.
Comment: Variant summary: ARV1 c.*4+1G>A is located in a canonical splice-site within the 3' untranslated region of the gene and may affect mRNA splicing resulting in a significantly altered protein due to either exon skipping, shortening, or inclusion of intronic material. Several computational tools predict a significant impact on normal splicing: Two predict the variant abolishes a 5' splicing donor site. However, these predictions have yet to be confirmed by functional studies. The variant allele was found at a frequency of 0.00029 in 250982 control chromosomes. This frequency is not significantly higher than estimated for disease-causing variants in ARV1, allowing no conclusion about variant significance. To our knowledge, no occurrence of c.*4+1G>A in individuals affected with ARV1-related conditions and no experimental evidence demonstrating its impact on protein function have been reported. ClinVar contains an entry for this variant (Variation ID: 2580659). Based on the evidence outlined above, the variant was classified as uncertain significance.

Blueprint Genetics
Classification: Uncertain significance. Last evaluated: 2024-10-22. Review status: criteria provided, single submitter. Criteria: ACMG Guidelines, 2015. Collection method: clinical testing. Allele origin: germline.

GeneDx
Classification: Uncertain significance. Last evaluated: 2023-03-21. Review status: criteria provided, single submitter. Criteria: GeneDx Variant Classification Process June 2021. Collection method: clinical testing. Allele origin: germline. Affected: yes.
Comment: Canonical splice site variant expected to result in aberrant splicing, although in the absence of functional evidence the actual effect of this sequence change is unknown; Has not been previously published as pathogenic or benign to our knowledge

Department of Pathology and Laboratory Medicine, Sinai Health System
Classification: Uncertain significance for developmental and epileptic encephalopathy, 38. Last evaluated: 2023-03-14. Review status: criteria provided, single submitter. Criteria: ACMG Guidelines, 2015. Collection method: research. Allele origin: germline.

PreventionGenetics, part of Exact Sciences
Classification: Likely benign for ARV1-related condition. Last evaluated: 2020-08-07. Review status: no assertion criteria provided. Collection method: clinical testing. Allele origin: germline. Not counted in ClinVar's aggregate classification.
Comment: This variant is classified as likely benign based on ACMG/AMP sequence variant interpretation guidelines (Richards et al. 2015 PMID: 25741868, with internal and published modifications).

Dr. Peter K. Rogan Lab, Western University
No classification provided (evidence only). Condition: Melanoma. Review status: no classification provided. Collection method: in vitro. Allele origin: not applicable. Functional consequence: retained intron. Not counted in ClinVar's aggregate classification.

Dr. Peter K. Rogan Lab, Western University
No classification provided (evidence only). Condition: Hepatocellular carcinoma. Review status: no classification provided. Collection method: in vitro. Allele origin: not applicable. Functional consequence: retained intron. Not counted in ClinVar's aggregate classification.

Dr. Peter K. Rogan Lab, Western University
No classification provided (evidence only). Condition: Cholangiocarcinoma. Review status: no classification provided. Collection method: in vitro. Allele origin: not applicable. Functional consequence: skipped exon, retained intron. Not counted in ClinVar's aggregate classification.

Dr. Peter K. Rogan Lab, Western University
No classification provided (evidence only). Condition: Familial pancreatic carcinoma. Review status: no classification provided. Collection method: in vitro. Allele origin: not applicable. Functional consequence: retained intron. Not counted in ClinVar's aggregate classification.

NM_022786.3(ARV1):c.*4+1G>A

Gene: ARV1 (ARV1 fatty acid homeostasis modulator; plus strand). Cytogenetic location: 1q42.2.
Variant type: single nucleotide variant.
Coding change: c.*4+1G>A on transcript NM_022786.3 (MANE Select); the canonical splice donor site of the intron after 4 bases downstream of the stop codon, G replaced by A.
Molecular consequence: splice donor variant.
Genome position (GRCh38, 1-based): chr1:230,997,268, G>A. VCF-style: chr1-230997268-G-A. GRCh37 (hg19) VCF-style: chr1-231133014-G-A.
Other names: NC_000001.10:g.231133014G>A; c.*4+1G>A (NM_001346992.2, NM_022786.2).
Identifiers: ClinVar variation 2580659 (VCV002580659.8), dbSNP rs200114138, ClinGen allele CA1450571.